The following is an entry in ClinVar:

ClinVar aggregate classification (germline): Uncertain significance (1 of 4 stars; one submission).

Allele frequency attached by ClinVar (database versions not stated): ExAC 0.00001; gnomAD 0.00001 and 0.00002; gnomAD exomes 0.00001; TOPMed 0.00002; ESP Exome Variant Server 0.00015.

Submission:

Labcorp Genetics (formerly Invitae), Labcorp
Classification: Uncertain significance. Last evaluated: 2025-05-19. Review status: criteria provided, single submitter. Criteria: Invitae Variant Classification Sherloc (09022015). Collection method: clinical testing. Allele origin: germline.
Comment: This sequence change replaces glycine, which is neutral and non-polar, with aspartic acid, which is acidic and polar, at codon 1051 of the COL7A1 protein (p.Gly1051Asp). This variant is present in population databases (rs373817004, gnomAD 0.002%). This variant has not been reported in the literature in individuals affected with COL7A1-related conditions. ClinVar contains an entry for this variant (Variation ID: 1369832). Invitae Evidence Modeling of protein sequence and biophysical properties (such as structural, functional, and spatial information, amino acid conservation, physicochemical variation, residue mobility, and thermodynamic stability) indicates that this missense variant is not expected to disrupt COL7A1 protein function with a negative predictive value of 95%. In summary, the available evidence is currently insufficient to determine the role of this variant in disease. Therefore, it has been classified as a Variant of Uncertain Significance.

NM_000094.4(COL7A1):c.3152G>A (p.Gly1051Asp)

Gene: COL7A1 (collagen type VII alpha 1 chain; minus strand). Cytogenetic location: 3p21.31.
Variant type: single nucleotide variant.
Coding change: c.3152G>A on transcript NM_000094.4 (MANE Select); coding-DNA position 3152, G replaced by A.
Protein change: p.Gly1051Asp; replaces glycine 1051 with aspartic acid.
Molecular consequence: missense variant.
Genome position (GRCh38, 1-based): chr3:48,587,096, C>T on the plus strand (G>A on the coding strand, the complement: COL7A1 is on the minus strand). VCF-style: chr3-48587096-C-T. GRCh37 (hg19) VCF-style: chr3-48624529-C-T.
Other names: short protein forms G1051D.
Identifiers: ClinVar variation 1369832 (VCV001369832.8), dbSNP rs373817004, ClinGen allele CA2380614.
Genomic context (GRCh38, chr3:48,587,096, plus strand): 5'-GCCTCCGCACGGTGAGCATTGTCTTGAGTGGCATGTGGTAGGAACACCACATCCGCCAGG[C>T]CACGGGGGCACACTGTAGGAAGGGGAACAAGTTACTGAAGCGGGCAGCCCACCCAGACAC-3'
Protein context (NP_000085.1, residues 1041-1061): SVTQTPVCPR[Gly1051Asp]LADVVFLPHA